The following is an entry in ClinVar:

ClinVar aggregate classification (germline): Uncertain significance. Review status: criteria provided, multiple submitters, no conflicts (2 of 4 stars). 3 submissions from 3 submitters: Uncertain significance (3). Last evaluated 2026-07-27.

Conditions:
Inborn genetic diseases. Identifiers: MedGen C0950123, MeSH D030342.
Mosaic variegated aneuploidy syndrome 1 (MVA1). Also called: Warburton-Anyane-Yeboa syndrome. Identifiers: Orphanet 1052, MedGen C1850343, MONDO:0009759, OMIM 257300.

Allele frequency attached by ClinVar (database versions not stated): gnomAD 0.00009 and 0.00010; gnomAD exomes 0.00009 and 0.00046; ESP Exome Variant Server 0.00023; TOPMed 0.00014; ExAC 0.00008.
gnomAD v4.1: 657 of 1,577,306 alleles (0.042%); highest among the groups gnomAD compares: Non-Finnish European, 0.055%; no homozygotes.

Submissions (3):

Ambry Genetics
Classification: Uncertain significance for Inborn genetic diseases. Last evaluated: 2026-07-27. Review status: criteria provided, single submitter. Criteria: Ambry Variant Classification Scheme 2023. Collection method: clinical testing. Allele origin: germline.
Comment: The c.2385+4G>C intronic alteration consists of a G to C substitution nucleotides after coding exon 18 in the BUB1B gene. Based on data from gnomAD, the C allele has an overall frequency of 0.009% (26/280500) total alleles studied. The highest observed frequency was 0.019% (24/127578) of European (non-Finnish) alleles. Based on insufficient or conflicting evidence, the clinical significance of this alteration remains unclear.

Labcorp Genetics (formerly Invitae), Labcorp
Classification: Uncertain significance for Mosaic variegated aneuploidy syndrome 1. Last evaluated: 2025-11-25. Review status: criteria provided, single submitter. Criteria: Invitae Variant Classification Sherloc (09022015). Collection method: clinical testing. Allele origin: germline.
Comment: This sequence change falls in intron 18 of the BUB1B gene. It does not directly change the encoded amino acid sequence of the BUB1B protein. It affects a nucleotide within the consensus splice site. This variant is present in population databases (rs202108787, gnomAD 0.02%). This variant has not been reported in the literature in individuals affected with BUB1B-related conditions. ClinVar contains an entry for this variant (Variation ID: 238663). Variants that disrupt the consensus splice site are a relatively common cause of aberrant splicing (PMID: 17576681, 9536098). Algorithms developed to predict the effect of sequence changes on RNA splicing suggest that this variant is not likely to affect RNA splicing. In summary, the available evidence is currently insufficient to determine the role of this variant in disease. Therefore, it has been classified as a Variant of Uncertain Significance.

Women's Health and Genetics/Laboratory Corporation of America, LabCorp
Classification: Uncertain significance. Last evaluated: 2025-02-06. Review status: criteria provided, single submitter. Criteria: LabCorp Variant Classification Summary - May 2015. Collection method: clinical testing. Allele origin: germline.
Comment: Variant summary: BUB1B c.2385+4G>C alters a non-conserved nucleotide located close to a canonical splice site and therefore could affect mRNA splicing, leading to a significantly altered protein sequence. Consensus agreement among computation tools predict no significant impact on normal splicing. However, these predictions have yet to be confirmed by functional studies. The variant allele was found at a frequency of 9.2e-05 in 249128 control chromosomes. This frequency is not significantly higher than estimated for a pathogenic variant in BUB1B causing Mosaic Variegated Aneuploidy Syndrome 1, allowing no conclusion about variant significance. To our knowledge, no occurrence of c.2385+4G>C in individuals affected with Mosaic Variegated Aneuploidy Syndrome 1 and no experimental evidence demonstrating its impact on protein function have been reported. ClinVar contains an entry for this variant (Variation ID: 238663). Based on the evidence outlined above, the variant was classified as uncertain significance.

Literature cited by the submitters: PubMed 17576681 (cited by Labcorp Genetics (formerly Invitae), Labcorp); PubMed 9536098 (cited by Labcorp Genetics (formerly Invitae), Labcorp).

NM_001211.6(BUB1B):c.2385+4G>C

Gene: BUB1B (BUB1 mitotic checkpoint serine/threonine kinase B; plus strand). Cytogenetic location: 15q15.1.
Variant type: single nucleotide variant.
Coding change: c.2385+4G>C on transcript NM_001211.6 (MANE Select); 4 bases into the intron after coding-DNA position 2385, G replaced by C.
Molecular consequence: intron variant.
Genome position (GRCh38, 1-based): chr15:40,210,214, G>C. VCF-style: chr15-40210214-G-C. GRCh37 (hg19) VCF-style: chr15-40502415-G-C.
Identifiers: ClinVar variation 238663 (VCV000238663.11), dbSNP rs202108787, ClinGen allele CA7476024.
Genomic context (GRCh38, chr15:40,210,214, plus strand): 5'-GATTACAAGTTATTCTGGGTGGCGCCAAGAAACTCTGCAGAATTAACAGTAATAAAGGTG[G>C]GACTGATTCTTTATAATTTCAGTTACTTTGTAAATAATACGGATTGGAGCAATAACTGTC-3'